The following is an entry in ClinVar:

ClinVar aggregate classification (germline): Uncertain significance (1 of 4 stars; one submission).

Conditions:
MAGEL2-related disorder. Also called: MAGEL2-related condition.

Submission:

PreventionGenetics, part of Exact Sciences
Classification: Uncertain significance for MAGEL2-related condition. Last evaluated: 2025-05-31. Review status: criteria provided, single submitter. Criteria: ACMG Guidelines, 2015. Collection method: clinical testing. Allele origin: germline.
Comment: The MAGEL2 c.1429C>T variant is predicted to result in the amino acid substitution p.Pro477Ser. To our knowledge, this variant has not been reported in the literature or in a large population database (gnomAD), indicating this variant is rare. At this time, the clinical significance of this variant is uncertain due to the absence of conclusive functional and genetic evidence.

NM_019066.5(MAGEL2):c.1429C>T (p.Pro477Ser)

Gene: MAGEL2 (MAGE family member L2; minus strand). Cytogenetic location: 15q11.2.
Variant type: single nucleotide variant.
Coding change: c.1429C>T on transcript NM_019066.5 (MANE Select); coding-DNA position 1429, C replaced by T.
Protein change: p.Pro477Ser; replaces proline 477 with serine.
Molecular consequence: missense variant.
Genome position (GRCh38, 1-based): chr15:23,646,314, G>A on the plus strand (C>T on the coding strand, the complement: MAGEL2 is on the minus strand). VCF-style: chr15-23646314-G-A. GRCh37 (hg19) VCF-style: chr15-23891461-G-A.
Other names: short protein forms P477S.
Identifiers: ClinVar variation 5001062 (VCV005001062.1).